The following is an entry in ClinVar:

NM_031407.7(HUWE1):c.6859A>G (p.Ser2287Gly)

Gene: HUWE1 (HECT, UBA and WWE domain containing E3 ubiquitin protein ligase 1; minus strand). Cytogenetic location: Xp11.22.
Variant type: single nucleotide variant.
Coding change: c.6859A>G on transcript NM_031407.7 (MANE Select); coding-DNA position 6859, A replaced by G.
Protein change: p.Ser2287Gly; replaces serine 2287 with glycine.
Molecular consequence: missense variant.
Genome position (GRCh38, 1-based): chrX:53,565,088, T>C on the plus strand (A>G on the coding strand, the complement: HUWE1 is on the minus strand). VCF-style: chrX-53565088-T-C. GRCh37 (hg19) VCF-style: chrX-53592049-T-C.
Other names: short protein forms S2287G.
Identifiers: ClinVar variation 3376237 (VCV003376237.1).
Genomic context (GRCh38, chrX:53,565,088, plus strand): 5'-TACTCCCACCTCTCCAGTCCATTGGCTCTGATTCCCTACCTGGGTCCTGCTGGTTGCTAC[T>C]GGAATCTTGAGAGGCTCCTTGGGCATCCTGCTCAGACTTGTTCTTGCTAGAAGCACTCTT-3'
Protein context (NP_113584.3, residues 2277-2297): QDAQGASQDS[Ser2287Gly]SNQQDPGEPG

ClinVar aggregate classification (germline): Uncertain significance (1 of 4 stars; one submission).

Conditions:
Intellectual developmental disorder, X-linked, syndromic, Turner type. Also called: Intellectual disability, X-linked syndromic, Turner type; X-linked intellectual disability, Turner type. Identifiers: Orphanet 3056, Orphanet 85328, MedGen C2678046, MONDO:0010407, OMIM 309590.

Submission:

Pittsburgh Clinical Genomics Laboratory, University of Pittsburgh Medical Center
Classification: Uncertain significance for Intellectual developmental disorder, X-linked, syndromic, Turner type. Last evaluated: 2022-02-04. Review status: criteria provided, single submitter. Criteria: ACMG Guidelines, 2015. Collection method: clinical testing. Allele origin: germline. Inheritance: X-linked recessive inheritance. Affected: yes.
Comment: This sequence change is a single nucleotide substitution (A>G) that results in a serine to glycine amino acid substitution at residue 2287 of the HUWE1 protein. This is a novel variant that has not been reported to databases of clinically annotated variants or observed in individuals with HUWE1-related disease in the literature, to our knowledge. This variant is absent from control population databases (gnomAD database 0/~183,000 alleles). Bioinformatic tools predict that this variant would be tolerated, and the Ser2287 residue is not well conserved across the vertebrate species examined. Functiol studies examining the effect of this variant on protein structure or activity have not been performed, to our knowledge. At this time, there is insufficient evidence to determine if this variant is pathogenic or benign. Therefore, we consider this to be a variant of uncertain significance. ACMG Criteria: BP4, PM2